The following is an entry in ClinVar:

NM_000059.4(BRCA2):c.4070dup (p.Phe1358fs)

Gene: BRCA2 (BRCA2 DNA repair associated; plus strand). Cytogenetic location: 13q13.1.
Variant type: Duplication.
Coding change: c.4070dup on transcript NM_000059.4 (MANE Select); coding-DNA position 4070, one base duplicated (T; older notation c.4070dupT).
Protein change: p.Phe1358fs; shifts the reading frame from phenylalanine 1358.
Molecular consequence: frameshift variant.
Genome position (GRCh38, 1-based): chr13:32,338,425, T duplicated. VCF-style (leftmost placement, unchanged base first): chr13-32338424-C-CT. GRCh37 (hg19) VCF-style: chr13-32912561-C-CT.
Other names: c.4070dupT (NM_000059.3); short protein forms F1358fs.
Identifiers: ClinVar variation 650984 (VCV000650984.7), dbSNP rs1593901323, ClinGen allele CA915948459.

ClinVar aggregate classification (germline): Pathogenic (1 of 4 stars; one submission).

Conditions:
Hereditary breast ovarian cancer syndrome. Also called: Breast and ovarian cancer; BRCA1- and BRCA2-Associated Hereditary Breast and Ovarian Cancer; Hereditary breast and ovarian cancer; Hereditary breast and ovarian cancer syndrome (HBOC); Hereditary breast and/or ovarian cancer syndrome; Hereditary breast and ovarian cancer syndrome. Identifiers: Orphanet 145, MedGen C0677776, MeSH D061325, MONDO:0003582. Disease mechanism: loss of function.

Submission:

Labcorp Genetics (formerly Invitae), Labcorp
Classification: Pathogenic for Hereditary breast ovarian cancer syndrome. Last evaluated: 2022-07-05. Review status: criteria provided, single submitter. Criteria: Invitae Variant Classification Sherloc (09022015). Collection method: clinical testing. Allele origin: germline.
Comment: For these reasons, this variant has been classified as Pathogenic. ClinVar contains an entry for this variant (Variation ID: 650984). This variant has not been reported in the literature in individuals affected with BRCA2-related conditions. This variant is not present in population databases (gnomAD no frequency). This sequence change creates a premature translational stop signal (p.Phe1358Ilefs*3) in the BRCA2 gene. It is expected to result in an absent or disrupted protein product. Loss-of-function variants in BRCA2 are known to be pathogenic (PMID: 20104584).

Literature cited by the submitters: PubMed 20104584.